The following is an entry in ClinVar:

ClinVar aggregate classification (germline): Likely benign (1 of 4 stars; one submission).

gnomAD v4.1: 13 of 1,598,312 alleles (0.00081%); highest among the groups gnomAD compares: Non-Finnish European, 0.001%; no homozygotes.

Submission:

CeGaT Center for Human Genetics Tuebingen
Classification: Likely benign. Last evaluated: 2022-05-01. Review status: criteria provided, single submitter. Criteria: CeGaT Center For Human Genetics Tuebingen Variant Classification Criteria Version 2. Collection method: clinical testing. Allele origin: germline. Affected: yes. Observed: 1 variant allele.
Comment: KNDC1: BP4, BP7

NM_152643.8(KNDC1):c.3579+30C>G

Gene: KNDC1 (kinase non-catalytic C-lobe domain containing 1; plus strand). Cytogenetic location: 10q26.3.
Variant type: single nucleotide variant.
Coding change: c.3579+30C>G on transcript NM_152643.8 (MANE Select); 30 bases into the intron after coding-DNA position 3579, C replaced by G.
Molecular consequence: intron variant. On other transcripts: synonymous variant (1).
Genome position (GRCh38, 1-based): chr10:133,206,983, C>G. VCF-style: chr10-133206983-C-G. GRCh37 (hg19) VCF-style: chr10-135020487-C-G.
Other names: c.3609C>G, p.Pro1203= (NM_033404.2).
Identifiers: ClinVar variation 2641004 (VCV002641004.24), dbSNP rs182488313, ClinGen allele CA597014197.
Genomic context (GRCh38, chr10:133,206,983, plus strand): 5'-ATTCCTCAGCTTGGTCAAGAAGTATCTGCAGGCAAGTGGGCTCCGGGCCCCGCTCTGCCC[C>G]GTGAGGCAGTAGCTTCAGACGGGCCTCCCACTGTTGGATGCTGTAAATCTGTCCGTGTGA-3'